The following is an entry in ClinVar:

NM_001844.5(COL2A1):c.2455G>A (p.Gly819Ser)

Gene: COL2A1 (collagen type II alpha 1 chain; minus strand). Cytogenetic location: 12q13.11.
Variant type: single nucleotide variant.
Coding change: c.2455G>A on transcript NM_001844.5 (MANE Select); coding-DNA position 2455, G replaced by A.
Protein change: p.Gly819Ser; replaces glycine 819 with serine.
Molecular consequence: missense variant.
Genome position (GRCh38, 1-based): chr12:47,981,351, C>T on the plus strand (G>A on the coding strand, the complement: COL2A1 is on the minus strand). VCF-style: chr12-47981351-C-T. GRCh37 (hg19) VCF-style: chr12-48375134-C-T.
Other names: c.2248G>A, p.Gly750Ser (NM_033150.3); short protein forms G750S, G819S.
Identifiers: ClinVar variation 1067788 (VCV001067788.9), dbSNP rs2136541965, ClinGen allele CA384545166.

ClinVar aggregate classification (germline): Likely pathogenic (1 of 4 stars; one submission).

Submission:

Labcorp Genetics (formerly Invitae), Labcorp
Classification: Likely pathogenic. Last evaluated: 2020-08-06. Review status: criteria provided, single submitter. Criteria: Invitae Variant Classification Sherloc (09022015). Collection method: clinical testing. Allele origin: germline.
Comment: In summary, the currently available evidence indicates that the variant is pathogenic, but additional data are needed to prove that conclusively. Therefore, this variant has been classified as Likely Pathogenic. Algorithms developed to predict the effect of sequence changes on RNA splicing suggest that this variant may create or strengthen a splice site, but this prediction has not been confirmed by published transcriptional studies. This variant disrupts the triple helix domain of COL2A1. Glycine residues within the Gly-Xaa-Yaa repeats of the triple helix domain are required for the structure and stability of fibrillar collagens (PMID: 7695699, 8218237, 19344236). In COL2A1, variants affecting these glycine residues are significantly enriched in individuals with disease (PMID: 9016532, 17078022) compared to the general population (ExAC). This variant has not been reported in the literature in individuals with COL2A1-related conditions. This variant is not present in population databases (ExAC no frequency). This sequence change replaces glycine with serine at codon 819 of the COL2A1 protein (p.Gly819Ser). The glycine residue is highly conserved and there is a small physicochemical difference between glycine and serine.

Literature cited by the submitters: PubMed 7695699; PubMed 8218237; PubMed 19344236; PubMed 9016532; PubMed 17078022.